The following is an entry in ClinVar:

ClinVar aggregate classification (germline): Uncertain significance. Review status: criteria provided, multiple submitters, no conflicts (2 of 4 stars). 3 submissions from 3 submitters: Uncertain significance (3). Last evaluated 2024-03-07.

Conditions:
Inborn genetic diseases. Identifiers: MedGen C0950123, MeSH D030342.
Retinal dystrophy. Also called: Inherited retinal dystrophy. Identifiers: Orphanet 71862, MedGen C0854723, MeSH D058499, MONDO:0019118, HP:0000556.

Allele frequency attached by ClinVar (database versions not stated): gnomAD exomes below 0.00001; gnomAD 0.00001; ExAC 0.00002; 1000 Genomes Project 30x 0.00016; 1000 Genomes Project 0.00020.
gnomAD v4.1: 2 of 1,614,154 alleles (0.00012%); highest among the groups gnomAD compares: East Asian, 0.0045%; no homozygotes.

Submissions (3):

Ambry Genetics
Classification: Uncertain significance for Inborn genetic diseases. Last evaluated: 2024-03-07. Review status: criteria provided, single submitter. Criteria: Ambry Variant Classification Scheme 2023. Collection method: clinical testing. Allele origin: germline.

Dept Of Ophthalmology, Nagoya University
Classification: Uncertain significance for Retinal dystrophy. Last evaluated: 2023-10-01. Review status: criteria provided, single submitter. Criteria: Submitter's publication. Collection method: research. Allele origin: germline. Affected: yes.

Labcorp Genetics (formerly Invitae), Labcorp
Classification: Uncertain significance. Last evaluated: 2022-09-06. Review status: criteria provided, single submitter. Criteria: Invitae Variant Classification Sherloc (09022015). Collection method: clinical testing. Allele origin: germline.
Comment: This sequence change replaces leucine, which is neutral and non-polar, with proline, which is neutral and non-polar, at codon 1040 of the ABCA4 protein (p.Leu1040Pro). This variant is present in population databases (rs566342133, gnomAD 0.01%). This variant has not been reported in the literature in individuals affected with ABCA4-related conditions. Advanced modeling of protein sequence and biophysical properties (such as structural, functional, and spatial information, amino acid conservation, physicochemical variation, residue mobility, and thermodynamic stability) performed at Invitae indicates that this missense variant is not expected to disrupt ABCA4 protein function. In summary, the available evidence is currently insufficient to determine the role of this variant in disease. Therefore, it has been classified as a Variant of Uncertain Significance.

NM_000350.3(ABCA4):c.3119T>C (p.Leu1040Pro)

Gene: ABCA4 (ATP binding cassette subfamily A member 4; minus strand). Cytogenetic location: 1p22.1.
Variant type: single nucleotide variant.
Coding change: c.3119T>C on transcript NM_000350.3 (MANE Select); coding-DNA position 3119, T replaced by C.
Protein change: p.Leu1040Pro; replaces leucine 1040 with proline.
Molecular consequence: missense variant.
Genome position (GRCh38, 1-based): chr1:94,043,407, A>G on the plus strand (T>C on the coding strand, the complement: ABCA4 is on the minus strand). VCF-style: chr1-94043407-A-G. GRCh37 (hg19) VCF-style: chr1-94508963-A-G.
Other names: c.2897T>C, p.Leu966Pro (NM_001425324.1); c.3119T>C (NM_000350.2); short protein forms L1040P, L966P.
Identifiers: ClinVar variation 2069631 (VCV002069631.3), dbSNP rs566342133, ClinGen allele CA958041.